The following is an entry in ClinVar:

ClinVar aggregate classification (germline): Uncertain significance (1 of 4 stars; one submission).

Allele frequency attached by ClinVar (database versions not stated): ExAC 0.00001; gnomAD 0.00001; gnomAD exomes 0.00002; TOPMed 0.00002.
gnomAD v4.1: 34 of 1,613,854 alleles (0.0021%); highest among the groups gnomAD compares: Admixed American, 0.005%; no homozygotes.

Submission:

Labcorp Genetics (formerly Invitae), Labcorp
Classification: Uncertain significance. Last evaluated: 2024-09-06. Review status: criteria provided, single submitter. Criteria: Invitae Variant Classification Sherloc (09022015). Collection method: clinical testing. Allele origin: germline.
Comment: This sequence change replaces alanine, which is neutral and non-polar, with valine, which is neutral and non-polar, at codon 1062 of the SLC12A6 protein (p.Ala1062Val). This variant is present in population databases (rs779629182, gnomAD 0.006%). This variant has not been reported in the literature in individuals affected with SLC12A6-related conditions. ClinVar contains an entry for this variant (Variation ID: 2148288). Invitae Evidence Modeling of protein sequence and biophysical properties (such as structural, functional, and spatial information, amino acid conservation, physicochemical variation, residue mobility, and thermodynamic stability) indicates that this missense variant is not expected to disrupt SLC12A6 protein function with a negative predictive value of 95%. In summary, the available evidence is currently insufficient to determine the role of this variant in disease. Therefore, it has been classified as a Variant of Uncertain Significance.

NM_001365088.1(SLC12A6):c.3185C>T (p.Ala1062Val)

Gene: SLC12A6 (solute carrier family 12 member 6; minus strand). Cytogenetic location: 15q14.
Variant type: single nucleotide variant.
Coding change: c.3185C>T on transcript NM_001365088.1 (MANE Select); coding-DNA position 3185, C replaced by T.
Protein change: p.Ala1062Val; replaces alanine 1062 with valine.
Molecular consequence: missense variant.
Genome position (GRCh38, 1-based): chr15:34,236,057, G>A on the plus strand (C>T on the coding strand, the complement: SLC12A6 is on the minus strand). VCF-style: chr15-34236057-G-A. GRCh37 (hg19) VCF-style: chr15-34528258-G-A.
Other names: c.3008C>T, p.Ala1003Val (NM_001042494.2, NM_001042495.2); c.3158C>T, p.Ala1053Val (NM_001042496.2); c.3140C>T, p.Ala1047Val (NM_001042497.2); c.3032C>T, p.Ala1011Val (NM_005135.2); c.3185C>T, p.Ala1062Val (NM_133647.2); short protein forms A1047V, A1062V, A1003V, A1011V, A1053V.
Identifiers: ClinVar variation 2148288 (VCV002148288.3), dbSNP rs779629182, ClinGen allele CA7463908.
Genomic context (GRCh38, chr15:34,236,057, plus strand): 5'-GGGAGTGGGAAAACTTACGGACGCATGTTAAGCAGGTCCTGGAATCCTTCCATTGACTTC[G>A]CTTTTTGTCCCCGGGATGCCATGTACTTGTCTTTTGTCCAAGTCATGTGCACCTTCTCCT-3'
Protein context (NP_001352017.1, residues 1052-1072): DKYMASRGQK[Ala1062Val]KSMEGFQDLL